The following is an entry in ClinVar:

ClinVar aggregate classification (germline): Likely benign. Review status: criteria provided, multiple submitters, no conflicts (2 of 4 stars). 4 submissions from 4 submitters: Likely benign (4). Last evaluated 2026-01-18.

Conditions:
Long QT syndrome 1 (LQT1). Identifiers: Orphanet 101016, Orphanet 768, MedGen C4551647, MONDO:0100316, OMIM 192500, MONDO:0008646.
Long QT syndrome 15 (LQT15). Identifiers: Orphanet 101016, Orphanet 768, MedGen C4015695, MONDO:0014550, OMIM 616249.

gnomAD v4.1: 82 of 1,420,466 alleles (0.0058%); highest among the groups gnomAD compares: Middle Eastern, 0.018%; no homozygotes.

Submissions (4):

Labcorp Genetics (formerly Invitae), Labcorp
Classification: Likely benign for Long QT syndrome 1. Last evaluated: 2026-01-18. Review status: criteria provided, single submitter. Criteria: Invitae Variant Classification Sherloc (09022015). Collection method: clinical testing. Allele origin: germline.

Blueprint Genetics
Classification: Likely benign. Last evaluated: 2024-05-29. Review status: criteria provided, single submitter. Criteria: ACMG Guidelines, 2015. Collection method: clinical testing. Allele origin: germline.

ARUP Laboratories, Molecular Genetics and Genomics, ARUP Laboratories
Classification: Likely benign for Long QT syndrome 15. Last evaluated: 2024-03-20. Review status: criteria provided, single submitter. Criteria: ARUP Molecular Germline Variant Investigation Process 2024. Collection method: clinical testing. Allele origin: germline.

GeneDx
Classification: Likely benign. Last evaluated: 2017-02-17. Review status: criteria provided, single submitter. Criteria: GeneDx Variant Classification (06012015). Collection method: clinical testing. Allele origin: germline. Affected: yes.
Comment: This variant is considered likely benign or benign based on one or more of the following criteria: it is a conservative change, it occurs at a poorly conserved position in the protein, it is predicted to be benign by multiple in silico algorithms, and/or has population frequency not consistent with disease.

NM_001743.6(CALM2):c.285+16G>T

Gene: CALM2 (calmodulin 2; minus strand). Cytogenetic location: 2p21.
Variant type: single nucleotide variant.
Coding change: c.285+16G>T on transcript NM_001743.6 (MANE Select); 16 bases into the intron after coding-DNA position 285, G replaced by T.
Molecular consequence: intron variant.
Genome position (GRCh38, 1-based): chr2:47,162,270, C>A on the plus strand (G>T on the coding strand, the complement: CALM2 is on the minus strand). VCF-style: chr2-47162270-C-A. GRCh37 (hg19) VCF-style: chr2-47389409-C-A.
Other names: c.429+16G>T (NM_001305624.1); c.177+16G>T (NM_001305626.1, NM_001305625.2).
Identifiers: ClinVar variation 507565 (VCV000507565.10), dbSNP rs3729963, ClinGen allele CA1648564.